The following is an entry in ClinVar:

ClinVar aggregate classification (germline): Benign/Likely benign. Review status: criteria provided, multiple submitters, no conflicts (2 of 4 stars). 7 submissions from 4 submitters: Benign (5); Likely benign (2). Last evaluated 2026-01-04.

Conditions:
Dilated cardiomyopathy 1G (CMD1G). Identifiers: Orphanet 154, MedGen C1858763, MONDO:0011400, OMIM 604145.
Autosomal recessive limb-girdle muscular dystrophy type 2J (LGMDR10). Also called: Limb-girdle muscular dystrophy, type 2J; MUSCULAR DYSTROPHY, LIMB-GIRDLE, AUTOSOMAL RECESSIVE 10. Identifiers: Orphanet 140922, MedGen C1837342, MONDO:0012127, OMIM 608807.
Early-onset myopathy with fatal cardiomyopathy (CMYO5). Also called: Salih Myopathy; CONGENITAL MYOPATHY 5 WITH CARDIOMYOPATHY. Identifiers: Orphanet 289377, MedGen C2673677, MONDO:0012714, OMIM 611705. Disease mechanism: loss of function.
Myopathy, myofibrillar, 9, with early respiratory failure (MFM9). Also called: Hereditary myopathy with early respiratory failure; MYOPATHY, PROXIMAL, WITH EARLY RESPIRATORY MUSCLE INVOLVEMENT; Myopathy, distal, with early respiratory failure, autosomal dominant; EDSTROM MYOPATHY. Identifiers: Orphanet 178464, Orphanet 34521, MedGen C1863599, MONDO:0011362, OMIM 603689.
Tibial muscular dystrophy (TMD). Also called: UDD MYOPATHY; Tibial muscular dystrophy, tardive; Udd Distal Myopathy – Tibial Muscular Dystrophy. Identifiers: Orphanet 609, MedGen C1838244, MONDO:0010870, OMIM 600334.

Allele frequency attached by ClinVar (database versions not stated): gnomAD 0.00004; gnomAD exomes 0.00001; TOPMed 0.00003.
gnomAD v4.1: 9 of 1,612,786 alleles (0.00056%); highest among the groups gnomAD compares: African/African-American, 0.011%; no homozygotes.

Submissions (7):

Labcorp Genetics (formerly Invitae), Labcorp
Classification: Likely benign for Dilated cardiomyopathy 1G; Autosomal recessive limb-girdle muscular dystrophy type 2J. Last evaluated: 2026-01-04. Review status: criteria provided, single submitter. Criteria: Invitae Variant Classification Sherloc (09022015). Collection method: clinical testing. Allele origin: germline.

Genome-Nilou Lab
Classification: Benign for Autosomal recessive limb-girdle muscular dystrophy type 2J. Last evaluated: 2021-09-10. Review status: criteria provided, single submitter. Criteria: ACMG Guidelines, 2015. Collection method: clinical testing. Allele origin: germline. Affected: no.

Genome-Nilou Lab
Classification: Benign for Myopathy, myofibrillar, 9, with early respiratory failure. Last evaluated: 2021-09-10. Review status: criteria provided, single submitter. Criteria: ACMG Guidelines, 2015. Collection method: clinical testing. Allele origin: germline. Affected: no.

Genome-Nilou Lab
Classification: Benign for Early-onset myopathy with fatal cardiomyopathy. Last evaluated: 2021-09-10. Review status: criteria provided, single submitter. Criteria: ACMG Guidelines, 2015. Collection method: clinical testing. Allele origin: germline. Affected: no.

Genome-Nilou Lab
Classification: Benign for Tibial muscular dystrophy. Last evaluated: 2021-09-10. Review status: criteria provided, single submitter. Criteria: ACMG Guidelines, 2015. Collection method: clinical testing. Allele origin: germline. Affected: no.

GeneDx
Classification: Benign. Last evaluated: 2014-03-26. Review status: criteria provided, single submitter. Criteria: GeneDx Variant Classification (06012015). Collection method: clinical testing. Allele origin: germline. Affected: yes.
Comment: This variant is considered likely benign or benign based on one or more of the following criteria: it is a conservative change, it occurs at a poorly conserved position in the protein, it is predicted to be benign by multiple in silico algorithms, and/or has population frequency not consistent with disease.

Laboratory for Molecular Medicine, Mass General Brigham Personalized Medicine
Classification: Likely benign. Last evaluated: 2014-02-17. Review status: criteria provided, single submitter. Criteria: LMM Criteria. Collection method: clinical testing. Allele origin: germline. Observed: 1 variant allele.
Comment: 59644+11G>C in intron 267 of TTN: This variant is not expected to have clinical significance because it is not located within the splice consensus sequence. 5 9644+11G>C in intron 267 of TTN (allele frequency = n/a)

NM_001267550.2(TTN):c.67348+11G>C

Genes: TTN (titin; minus strand), TTN-AS1 (TTN antisense RNA 1; plus strand). Cytogenetic location: 2q31.2.
Variant type: single nucleotide variant.
Coding change: c.67348+11G>C on transcript NM_001267550.2 (MANE Select); 11 bases into the intron after coding-DNA position 67348, G replaced by C.
Molecular consequence: intron variant.
Genome position (GRCh38, 1-based): chr2:178,579,928, C>G on the plus strand (G>C on the coding strand, the complement: TTN is on the minus strand). VCF-style: chr2-178579928-C-G. GRCh37 (hg19) VCF-style: chr2-179444655-C-G.
Other names: c.40153+11G>C (NM_003319.4); c.40729+11G>C (NM_133437.4); c.40528+11G>C (NM_133432.3); c.59644+11G>C (NM_133378.4); c.62425+11G>C (NM_001256850.1).
Identifiers: ClinVar variation 137803 (VCV000137803.16), dbSNP rs587780982, ClinGen allele CA295827.